The following is an entry in ClinVar:

ClinVar aggregate classification (germline): Uncertain significance (1 of 4 stars; one submission).

Conditions:
Emery-Dreifuss muscular dystrophy 5, autosomal dominant (EDMD5). Also called: EMERY-DREIFUSS MUSCULAR DYSTROPHY 5. Identifiers: Orphanet 261, MedGen C2751805, MONDO:0013072, OMIM 612999.

Submission:

Labcorp Genetics (formerly Invitae), Labcorp
Classification: Uncertain significance for Emery-Dreifuss muscular dystrophy 5, autosomal dominant. Last evaluated: 2022-04-04. Review status: criteria provided, single submitter. Criteria: Invitae Variant Classification Sherloc (09022015). Collection method: clinical testing. Allele origin: germline.
Comment: This variant has not been reported in the literature in individuals affected with SYNE2-related conditions. In summary, the available evidence is currently insufficient to determine the role of this variant in disease. Therefore, it has been classified as a Variant of Uncertain Significance. Algorithms developed to predict the effect of missense changes on protein structure and function are either unavailable or do not agree on the potential impact of this missense change (SIFT: "Deleterious"; PolyPhen-2: "Probably Damaging"; Align-GVGD: "Class C0"). This variant is not present in population databases (gnomAD no frequency). This sequence change replaces leucine, which is neutral and non-polar, with proline, which is neutral and non-polar, at codon 3528 of the SYNE2 protein (p.Leu3528Pro).

NM_182914.3(SYNE2):c.10583T>C (p.Leu3528Pro)

Gene: SYNE2 (spectrin repeat containing nuclear envelope protein 2; plus strand). Cytogenetic location: 14q23.2.
Variant type: single nucleotide variant.
Coding change: c.10583T>C on transcript NM_182914.3 (MANE Select); coding-DNA position 10583, T replaced by C.
Protein change: p.Leu3528Pro; replaces leucine 3528 with proline.
Molecular consequence: missense variant.
Genome position (GRCh38, 1-based): chr14:64,070,796, T>C. VCF-style: chr14-64070796-T-C. GRCh37 (hg19) VCF-style: chr14-64537514-T-C.
Other names: c.10583T>C, p.Leu3528Pro (NM_015180.6); short protein forms L3528P.
Identifiers: ClinVar variation 1973403 (VCV001973403.5), dbSNP rs2548504529, ClinGen allele CA389936607.
Genomic context (GRCh38, chr14:64,070,796, plus strand): 5'-CTGAGCTGCTAGACTGTTTATGCCAATATGGAGAGAACGTGGAGAAGCAACAGCTGTTAC[T>C]GACTCTACTTCTTCAGCGCATCAGAAGTATCCAGAATGTTCCTGAAAGCTCAGGGGCTGT-3'
Protein context (NP_878918.2, residues 3518-3538): GENVEKQQLL[Leu3528Pro]TLLLQRIRSI